The following is an entry in ClinVar:

GRCh38/hg38 6q27(chr6:170538168-170612001)x3

Genes: PDCD2 (programmed cell death 2; minus strand), PSMB1 (proteasome 20S subunit beta 1; minus strand), TBP (TATA-box binding protein; plus strand), LOC108663996 (TATA-box binding protein repeat instability region; plus strand), LOC129997715 (ATAC-STARR-seq lymphoblastoid active region 25467; plus strand) and 2 more. Cytogenetic location: 6q27.
Variant type: copy number gain.
Change: copy number 3 (three copies instead of two) of chr6:170,538,168-170,612,001 (73.8 kb, GRCh38 coordinates, 1-based), cytogenetic band 6q27.
Identifiers: ClinVar variation 57414 (VCV000057414.1).

ClinVar aggregate classification (germline): Uncertain significance (1 of 4 stars; one submission).

Submission:

ISCA site 4
Classification: Uncertain significance. Last evaluated: 2011-08-12. Review status: criteria provided, single submitter. Criteria: Kaminsky et al. (Genet Med. 2011). Collection method: clinical testing. Allele origin: unknown. Affected: yes. Observed: 1 variant allele.
Comment: Copy number variation identified through the course of routine clinical cytogenomic testing in postnatal populations. Clinical assertions have been curated as described in Kaminsky et al. 2011.